The following is an entry in ClinVar:

ClinVar aggregate classification (germline): Likely benign. Review status: criteria provided, multiple submitters, no conflicts (2 of 4 stars). 3 submissions from 3 submitters: Likely benign (3). Last evaluated 2026-07-01.

Conditions:
Hereditary spastic paraplegia 7 (SPG7). Also called: SPASTIC PARAPLEGIA 7, AUTOSOMAL RECESSIVE, WITH OR WITHOUT CEREBELLAR ATAXIA; Autosomal recessive spastic paraplegia type 7; Spastic paraplegia 7; Hereditary spastic paraplegia Paraplegin type; SPG7-related neurologic disorder. Identifiers: Orphanet 99013, MedGen C1846564, MONDO:0011803, OMIM 607259.

gnomAD v4.1: 64 of 1,614,040 alleles (0.004%); highest among the groups gnomAD compares: East Asian, 0.085%; no homozygotes.

Submissions (3):

CeGaT Center for Human Genetics Tuebingen
Classification: Likely benign. Last evaluated: 2026-07-01. Review status: criteria provided, single submitter. Criteria: CeGaT Center For Human Genetics Tuebingen Variant Classification Criteria Version 2. Collection method: clinical testing. Allele origin: germline. Affected: yes. Observed: 1 variant allele.
Comment: SPG7: BP4, BP7

Labcorp Genetics (formerly Invitae), Labcorp
Classification: Likely benign for Hereditary spastic paraplegia 7. Last evaluated: 2025-12-19. Review status: criteria provided, single submitter. Criteria: Invitae Variant Classification Sherloc (09022015). Collection method: clinical testing. Allele origin: germline.

Blueprint Genetics
Classification: Likely benign. Last evaluated: 2021-04-21. Review status: criteria provided, single submitter. Criteria: ACMG Guidelines, 2015. Collection method: clinical testing. Allele origin: germline.

NM_003119.4(SPG7):c.1716G>A (p.Ala572=)

Gene: SPG7 (SPG7 matrix AAA peptidase subunit, paraplegin; plus strand). Cytogenetic location: 16q24.3.
Variant type: single nucleotide variant.
Coding change: c.1716G>A on transcript NM_003119.4 (MANE Select); coding-DNA position 1716, G replaced by A.
Protein change: p.Ala572=; no amino-acid change (alanine 572 retained).
Molecular consequence: synonymous variant.
Genome position (GRCh38, 1-based): chr16:89,550,546, G>A. VCF-style: chr16-89550546-G-A. GRCh37 (hg19) VCF-style: chr16-89616954-G-A.
Other names: c.1716G>A, p.Ala572= (NM_001363850.1).
Identifiers: ClinVar variation 3714894 (VCV003714894.4).
Genomic context (GRCh38, chr16:89,550,546, plus strand): 5'-TCTTTCAGGGACTGCCAAAAAGAGCAAGATCCTGTCCAAGGAAGAACAGAAAGTGGTTGC[G>A]TTTCATGAGTCGGGCCACGCCTTGGTGGGCTGGATGCTGGAGCACACGGAGGCCGTGATG-3'
Protein context (NP_003110.1, residues 562-582): ILSKEEQKVV[Ala572=]FHESGHALVG